The following is an entry in ClinVar:

NM_000642.3(AGL):c.3124T>G (p.Leu1042Val)

Gene: AGL (amylo-alpha-1,6-glucosidase and 4-alpha-glucanotransferase; plus strand). Cytogenetic location: 1p21.2.
Variant type: single nucleotide variant.
Coding change: c.3124T>G on transcript NM_000642.3 (MANE Select); coding-DNA position 3124, T replaced by G.
Protein change: p.Leu1042Val; replaces leucine 1042 with valine.
Molecular consequence: missense variant.
Genome position (GRCh38, 1-based): chr1:99,892,472, T>G. VCF-style: chr1-99892472-T-G. GRCh37 (hg19) VCF-style: chr1-100358028-T-G.
Other names: c.3124T>G, p.Leu1042Val (NM_000028.3, NM_000643.3, NM_000644.3 and 1 more transcripts); c.3076T>G, p.Leu1026Val (NM_000646.3); c.3103T>G, p.Leu1035Val (NM_001425326.1); c.2923T>G, p.Leu975Val (NM_001425327.1); c.2920T>G, p.Leu974Val (NM_001425328.1); c.2785T>G, p.Leu929Val (NM_001425329.1); c.2746T>G, p.Leu916Val (NM_001425332.1); short protein forms L1026V, L1042V, L1035V, L916V, L929V, L974V, L975V.
Identifiers: ClinVar variation 1025390 (VCV001025390.10), dbSNP rs764821272, ClinGen allele CA966981.

ClinVar aggregate classification (germline): Uncertain significance. Review status: criteria provided, single submitter (1 of 4 stars). 2 submissions from 2 submitters: Uncertain significance (1). 1 of the submissions does not count toward it. Last evaluated 2022-08-17.

Conditions:
Glycogen storage disease type III (GSD3). Also called: Cori disease; FORBES DISEASE. Identifiers: Orphanet 366, MedGen C0017922, MONDO:0009291, OMIM 232400.

gnomAD v4.1: 13 of 1,613,624 alleles (0.00081%); highest among the groups gnomAD compares: African/African-American, 0.0067%; no homozygotes.

Submissions (2):

Labcorp Genetics (formerly Invitae), Labcorp
Classification: Uncertain significance for Glycogen storage disease type III. Last evaluated: 2022-08-17. Review status: criteria provided, single submitter. Criteria: Invitae Variant Classification Sherloc (09022015). Collection method: clinical testing. Allele origin: germline.
Comment: This sequence change replaces leucine, which is neutral and non-polar, with valine, which is neutral and non-polar, at codon 1042 of the AGL protein (p.Leu1042Val). This variant is present in population databases (rs764821272, gnomAD 0.009%). This variant has not been reported in the literature in individuals affected with AGL-related conditions. ClinVar contains an entry for this variant (Variation ID: 1025390). Algorithms developed to predict the effect of missense changes on protein structure and function are either unavailable or do not agree on the potential impact of this missense change (SIFT: "Deleterious"; PolyPhen-2: "Benign"; Align-GVGD: "Class C0"). Algorithms developed to predict the effect of sequence changes on RNA splicing suggest that this variant may create or strengthen a splice site. In summary, the available evidence is currently insufficient to determine the role of this variant in disease. Therefore, it has been classified as a Variant of Uncertain Significance.

Natera, Inc.
Classification: Uncertain significance for Glycogen storage disease type III. Last evaluated: 2020-05-04. Review status: no assertion criteria provided. Collection method: clinical testing. Allele origin: germline. Not counted in ClinVar's aggregate classification.